The following is an entry in ClinVar:

ClinVar aggregate classification (germline): Uncertain significance (1 of 4 stars; one submission).

gnomAD v4.1: 4 of 1,613,846 alleles (0.00025%); highest among the groups gnomAD compares: African/African-American, 0.0027%; no homozygotes.

Submission:

Mayo Clinic Laboratories, Mayo Clinic
Classification: Uncertain significance. Last evaluated: 2024-01-12. Review status: criteria provided, single submitter. Criteria: ACMG Guidelines, 2015. Collection method: clinical testing. Allele origin: germline. Observed: 1 variant allele.
Comment: PM2_moderate

NM_003742.4(ABCB11):c.3947C>T (p.Thr1316Ile)

Gene: ABCB11 (ATP binding cassette subfamily B member 11; minus strand). Cytogenetic location: 2q31.1.
Variant type: single nucleotide variant.
Coding change: c.3947C>T on transcript NM_003742.4 (MANE Select); coding-DNA position 3947, C replaced by T.
Protein change: p.Thr1316Ile; replaces threonine 1316 with isoleucine.
Molecular consequence: missense variant.
Genome position (GRCh38, 1-based): chr2:168,923,641, G>A on the plus strand (C>T on the coding strand, the complement: ABCB11 is on the minus strand). VCF-style: chr2-168923641-G-A. GRCh37 (hg19) VCF-style: chr2-169780151-G-A.
Other names: p.Thr1316Ile; short protein forms T1316I.
Identifiers: ClinVar variation 3380849 (VCV003380849.1).